The following is an entry in ClinVar:

ClinVar aggregate classification (germline): Likely benign. Review status: criteria provided, single submitter (1 of 4 stars). 2 submissions from 2 submitters: Likely benign (1). 1 of the submissions does not count toward it. Last evaluated 2024-02-16.

Conditions:
DMXL2-related disorder. Also called: DMXL2-related condition.

Allele frequency attached by ClinVar (database versions not stated): ExAC 0.00001.
gnomAD v4.1: 16 of 1,613,914 alleles (0.00099%); highest among the groups gnomAD compares: Middle Eastern, 0.016%; no homozygotes.

Submissions (2):

Labcorp Genetics (formerly Invitae), Labcorp
Classification: Likely benign. Last evaluated: 2024-02-16. Review status: criteria provided, single submitter. Criteria: Invitae Variant Classification Sherloc (09022015). Collection method: clinical testing. Allele origin: germline.

PreventionGenetics, part of Exact Sciences
Classification: Likely benign for DMXL2-related condition. Last evaluated: 2019-05-29. Review status: no assertion criteria provided. Collection method: clinical testing. Allele origin: germline. Not counted in ClinVar's aggregate classification.
Comment: This variant is classified as likely benign based on ACMG/AMP sequence variant interpretation guidelines (Richards et al. 2015 PMID: 25741868, with internal and published modifications).

NM_001378457.1(DMXL2):c.1993T>C (p.Leu665=)

Gene: DMXL2 (Dmx like 2; minus strand). Cytogenetic location: 15q21.2.
Variant type: single nucleotide variant.
Coding change: c.1993T>C on transcript NM_001378457.1 (MANE Select); coding-DNA position 1993, T replaced by C.
Protein change: p.Leu665=; no amino-acid change (leucine 665 retained).
Molecular consequence: synonymous variant. On other transcripts: non-coding transcript variant (2).
Genome position (GRCh38, 1-based): chr15:51,536,487, A>G on the plus strand (T>C on the coding strand, the complement: DMXL2 is on the minus strand). VCF-style: chr15-51536487-A-G. GRCh37 (hg19) VCF-style: chr15-51828684-A-G.
Other names: c.1993T>C (NM_001174116.1); c.1993T>C, p.Leu665= (NM_001174116.3, NM_001174117.3, NM_001378458.1 and 6 more transcripts); c.1753T>C, p.Leu585= (NM_001378464.1).
Identifiers: ClinVar variation 2189899 (VCV002189899.6), dbSNP rs200046847, ClinGen allele CA7562477.